The following is an entry in ClinVar:

ClinVar aggregate classification (germline): Pathogenic/Likely pathogenic. Review status: criteria provided, multiple submitters, no conflicts (2 of 4 stars). 3 submissions from 3 submitters: Pathogenic (1); Likely pathogenic (2). Last evaluated 2025-07-05.

Allele frequency attached by ClinVar (database versions not stated): gnomAD exomes below 0.00001 and 0.00001; gnomAD 0.00004 and 0.00003; ExAC 0.00002; TOPMed 0.00004; ESP Exome Variant Server 0.00008.
gnomAD v4.1: 7 of 1,587,540 alleles (0.00044%); highest among the groups gnomAD compares: African/African-American, 0.0094%; no homozygotes.

Submissions (3):

Dasa
Classification: Likely pathogenic. Last evaluated: 2025-07-05. Review status: criteria provided, single submitter. Criteria: DASA Assertion Criteria. Collection method: clinical testing. Allele origin: germline.
Comment: NM_002296.4(LBR):c.367-2A>C affects a canonical splice site and is predicted to disrupt normal RNA splicing. Loss of function is an established disease mechanism for LBR-associated disorders. Also, this variant is rare in population databases. Based on the currently available evidence, this variant is classified as likely pathogenic.

Clinical Genetics Laboratory, Skane University Hospital Lund
Classification: Pathogenic. Last evaluated: 2022-05-27. Review status: criteria provided, single submitter. Criteria: ACMG Guidelines, 2015. Collection method: clinical testing. Allele origin: germline. Affected: yes.

Labcorp Genetics (formerly Invitae), Labcorp
Classification: Likely pathogenic. Last evaluated: 2022-01-15. Review status: criteria provided, single submitter. Criteria: Invitae Variant Classification Sherloc (09022015). Collection method: clinical testing. Allele origin: germline.
Comment: This sequence change affects an acceptor splice site in intron 3 of the LBR gene. It is expected to disrupt RNA splicing. Variants that disrupt the donor or acceptor splice site typically lead to a loss of protein function (PMID: 16199547), and loss-of-function variants in LBR are known to be pathogenic (PMID: 12118250, 12618959, 21327084). This variant is present in population databases (rs368708382, gnomAD 0.008%). This variant has not been reported in the literature in individuals affected with LBR-related conditions. Algorithms developed to predict the effect of sequence changes on RNA splicing suggest that this variant may disrupt the consensus splice site. In summary, the currently available evidence indicates that the variant is pathogenic, but additional data are needed to prove that conclusively. Therefore, this variant has been classified as Likely Pathogenic.

Literature cited by the submitters: PubMed 16199547 (cited by Labcorp Genetics (formerly Invitae), Labcorp); PubMed 12118250 (cited by Labcorp Genetics (formerly Invitae), Labcorp); PubMed 12618959 (cited by Labcorp Genetics (formerly Invitae), Labcorp); PubMed 21327084 (cited by Labcorp Genetics (formerly Invitae), Labcorp).

NM_002296.4(LBR):c.367-2A>C

Gene: LBR (lamin B receptor; minus strand). Cytogenetic location: 1q42.12.
Variant type: single nucleotide variant.
Coding change: c.367-2A>C on transcript NM_002296.4 (MANE Select); the canonical splice acceptor site of the intron before coding-DNA position 367, A replaced by C.
Molecular consequence: splice acceptor variant.
Genome position (GRCh38, 1-based): chr1:225,419,800, T>G on the plus strand (A>C on the coding strand, the complement: LBR is on the minus strand). VCF-style: chr1-225419800-T-G. GRCh37 (hg19) VCF-style: chr1-225607502-T-G.
Other names: c.367-2A>C (NM_194442.3).
Identifiers: ClinVar variation 1511961 (VCV001511961.11), dbSNP rs368708382, ClinGen allele CA1417486.